The following is an entry in ClinVar:

NM_001159699.2(FHL1):c.502A>T (p.Thr168Ser)

Gene: FHL1 (four and a half LIM domains 1; plus strand). Cytogenetic location: Xq26.3.
Variant type: single nucleotide variant.
Coding change: c.502A>T on transcript NM_001159699.2 (MANE Select); coding-DNA position 502, A replaced by T.
Protein change: p.Thr168Ser; replaces threonine 168 with serine.
Molecular consequence: missense variant. On other transcripts: non-coding transcript variant (1).
Genome position (GRCh38, 1-based): chrX:136,207,914, A>T. VCF-style: chrX-136207914-A-T. GRCh37 (hg19) VCF-style: chrX-135290073-A-T.
Other names: c.454A>T (NM_001449.4); c.454A>T, p.Thr152Ser (NM_001369331.1, NM_001449.5, NM_001159700.2 and 9 more transcripts); c.541A>T, p.Thr181Ser (NM_001159701.2); c.502A>T, p.Thr168Ser (NM_001330659.2); short protein forms T152S, T168S, T181S.
Identifiers: ClinVar variation 1058447 (VCV001058447.10), dbSNP rs2073890274, ClinGen allele CA414608567.

ClinVar aggregate classification (germline): Uncertain significance. Review status: criteria provided, multiple submitters, no conflicts (2 of 4 stars). 3 submissions from 3 submitters: Uncertain significance (3). Last evaluated 2026-01-18.

Conditions:
Cardiovascular phenotype. Identifiers: MedGen CN230736.
X-linked myopathy with postural muscle atrophy. Also called: FHL1-Related Emery-Dreifuss Muscular Dystrophy, X-Linked. Identifiers: Orphanet 178461, MedGen C2678055, MONDO:0010401, OMIM 300696.

Allele frequency attached by ClinVar (database versions not stated): gnomAD exomes 0.00001.
gnomAD v4.1: 12 of 1,212,336 alleles (0.00099%); highest among the groups gnomAD compares: Middle Eastern, 0.023%; no homozygotes.

Submissions (3):

Labcorp Genetics (formerly Invitae), Labcorp
Classification: Uncertain significance for X-linked myopathy with postural muscle atrophy. Last evaluated: 2026-01-18. Review status: criteria provided, single submitter. Criteria: Invitae Variant Classification Sherloc (09022015). Collection method: clinical testing. Allele origin: germline.
Comment: This sequence change replaces threonine, which is neutral and polar, with serine, which is neutral and polar, at codon 152 of the FHL1 protein (p.Thr152Ser). This variant is not present in population databases (gnomAD no frequency). This variant has not been reported in the literature in individuals affected with FHL1-related conditions. ClinVar contains an entry for this variant (Variation ID: 1058447). An algorithm developed to predict the effect of missense changes on protein structure and function (PolyPhen-2) suggests that this variant is likely to be tolerated. In summary, the available evidence is currently insufficient to determine the role of this variant in disease. Therefore, it has been classified as a Variant of Uncertain Significance.

Ambry Genetics
Classification: Uncertain significance for Cardiovascular phenotype. Last evaluated: 2024-11-17. Review status: criteria provided, single submitter. Criteria: Ambry Variant Classification Scheme 2023. Collection method: clinical testing. Allele origin: germline.
Comment: The p.T152S variant (also known as c.454A>T), located in coding exon 3 of the FHL1 gene, results from an A to T substitution at nucleotide position 454. The threonine at codon 152 is replaced by serine, an amino acid with similar properties. This amino acid position is conserved. In addition, this alteration is predicted to be tolerated by in silico analysis. Based on the available evidence, the clinical significance of this variant remains unclear.

Revvity Omics, Revvity
Classification: Uncertain significance. Last evaluated: 2022-03-08. Review status: criteria provided, single submitter. Criteria: ACMG Guidelines, 2015. Collection method: clinical testing. Allele origin: germline.